The following is an entry in ClinVar:

NM_181712.5(KANK4):c.2461G>A (p.Asp821Asn)

Gene: KANK4 (KN motif and ankyrin repeat domains 4; minus strand). Cytogenetic location: 1p31.3.
Variant type: single nucleotide variant.
Coding change: c.2461G>A on transcript NM_181712.5 (MANE Select); coding-DNA position 2461, G replaced by A.
Protein change: p.Asp821Asn; replaces aspartic acid 821 with asparagine.
Molecular consequence: missense variant.
Genome position (GRCh38, 1-based): chr1:62,263,170, C>T on the plus strand (G>A on the coding strand, the complement: KANK4 is on the minus strand). VCF-style: chr1-62263170-C-T. GRCh37 (hg19) VCF-style: chr1-62728842-C-T.
Other names: c.577G>A, p.Asp193Asn (NM_001320269.2); short protein forms D193N, D821N.
Identifiers: ClinVar variation 3671006 (VCV003671006.2).

ClinVar aggregate classification (germline): Uncertain significance (1 of 4 stars; one submission).

gnomAD v4.1: 13 of 1,613,772 alleles (0.00081%); highest among the groups gnomAD compares: East Asian, 0.0022%; no homozygotes.

Submission:

Labcorp Genetics (formerly Invitae), Labcorp
Classification: Uncertain significance. Last evaluated: 2025-04-22. Review status: criteria provided, single submitter. Criteria: Invitae Variant Classification Sherloc (09022015). Collection method: clinical testing. Allele origin: germline.
Comment: This sequence change replaces aspartic acid, which is acidic and polar, with asparagine, which is neutral and polar, at codon 821 of the KANK4 protein (p.Asp821Asn). This variant is present in population databases (rs776739426, gnomAD 0.004%). This variant has not been reported in the literature in individuals affected with KANK4-related conditions. ClinVar contains an entry for this variant (Variation ID: 3671006). An algorithm developed to predict the effect of missense changes on protein structure and function (PolyPhen-2) suggests that this variant is likely to be disruptive. In summary, the available evidence is currently insufficient to determine the role of this variant in disease. Therefore, it has been classified as a Variant of Uncertain Significance.